The following is an entry in ClinVar:

NM_000384.3(APOB):c.710C>T (p.Thr237Ile)

Gene: APOB (apolipoprotein B; minus strand). Cytogenetic location: 2p24.1.
Variant type: single nucleotide variant.
Coding change: c.710C>T on transcript NM_000384.3 (MANE Select); coding-DNA position 710, C replaced by T.
Protein change: p.Thr237Ile; replaces threonine 237 with isoleucine.
Molecular consequence: missense variant.
Genome position (GRCh38, 1-based): chr2:21,035,692, G>A on the plus strand (C>T on the coding strand, the complement: APOB is on the minus strand). VCF-style: chr2-21035692-G-A. GRCh37 (hg19) VCF-style: chr2-21258564-G-A.
Other names: short protein forms T237I.
Identifiers: ClinVar variation 3415681 (VCV003415681.1).

ClinVar aggregate classification (germline): Uncertain significance (1 of 4 stars; one submission).

Conditions:
Cardiovascular phenotype. Identifiers: MedGen CN230736.

gnomAD v4.1: 21 of 1,614,024 alleles (0.0013%); highest among the groups gnomAD compares: Non-Finnish European, 0.0018%; no homozygotes.

Submission:

Ambry Genetics
Classification: Uncertain significance for Cardiovascular phenotype. Last evaluated: 2024-08-07. Review status: criteria provided, single submitter. Criteria: Ambry Variant Classification Scheme 2023. Collection method: clinical testing. Allele origin: germline.
Comment: The p.T237I variant (also known as c.710C>T), located in coding exon 7 of the APOB gene, results from a C to T substitution at nucleotide position 710. The threonine at codon 237 is replaced by isoleucine, an amino acid with similar properties. This amino acid position is conserved. In addition, this alteration is predicted to be tolerated by in silico analysis. Based on the available evidence, the clinical significance of this variant remains unclear.